The following is an entry in ClinVar:

ClinVar aggregate classification (germline): Pathogenic/Likely pathogenic. Review status: criteria provided, multiple submitters, no conflicts (2 of 4 stars). 5 submissions from 5 submitters: Pathogenic (2); Likely pathogenic (1). 2 of the submissions do not count toward it. Last evaluated 2025-06-28.

Conditions:
Polycystic liver disease 1 (PCLD1). Also called: Polycystic liver disease 1 with or without kidney cysts. Identifiers: Orphanet 2924, MedGen C0887850, MONDO:0008265, OMIM 174050.

gnomAD v4.1: 5 of 1,614,130 alleles (0.00031%); highest among the groups gnomAD compares: Admixed American, 0.0033%; no homozygotes.

Submissions (5):

Immunogenetics and Transplant Biology Service, University Hospital "Città della Salute e della Scienza di Torino"
Classification: Pathogenic for Polycystic liver disease 1. Last evaluated: 2025-06-28. Review status: criteria provided, single submitter. Criteria: ACMG Guidelines, 2015. Collection method: clinical testing. Allele origin: germline. Affected: yes.

GeneDx
Classification: Likely pathogenic. Last evaluated: 2023-01-03. Review status: criteria provided, single submitter. Criteria: GeneDx Variant Classification Process June 2021. Collection method: clinical testing. Allele origin: germline. Affected: yes.
Comment: Nonsense variant predicted to result in protein truncation or nonsense mediated decay in a gene for which loss of function is a known mechanism of disease; This variant is associated with the following publications: (PMID: 25525159, 33960378, 20095989, 33437033, 32457805, 25266109, 12529853)

Fulgent Genetics
Classification: Pathogenic for Polycystic liver disease 1. Last evaluated: 2021-08-03. Review status: criteria provided, single submitter. Criteria: ACMG Guidelines, 2015. Collection method: clinical testing. Allele origin: unknown.

OMIM
Classification: Pathogenic for POLYCYSTIC LIVER DISEASE 1 WITHOUT KIDNEY CYSTS. Last evaluated: 2003-03-01. Review status: no assertion criteria provided. Collection method: literature only. Allele origin: germline. Not counted in ClinVar's aggregate classification.

Genomics And Bioinformatics Analysis Resource, Columbia University
Classification: Pathogenic for Polycystic liver disease 1. Review status: no assertion criteria provided. Collection method: research. Allele origin: unknown. Affected: yes. Not counted in ClinVar's aggregate classification.

Literature cited by the submitters: PubMed 12529853 (cited by OMIM).

NM_001289104.2(PRKCSH):c.1290C>G (p.Tyr430Ter)

Gene: PRKCSH (PRKCSH beta subunit of glucosidase II; plus strand). Cytogenetic location: 19p13.2.
Variant type: single nucleotide variant.
Coding change: c.1290C>G on transcript NM_001289104.2 (MANE Select); coding-DNA position 1290, C replaced by G.
Protein change: p.Tyr430Ter; replaces tyrosine 430 with a stop codon.
Molecular consequence: nonsense.
Genome position (GRCh38, 1-based): chr19:11,448,917, C>G. VCF-style: chr19-11448917-C-G. GRCh37 (hg19) VCF-style: chr19-11559732-C-G.
Other names: Y422*; c.1260C>G, p.Tyr420Ter (NM_001001329.3, NM_001289102.2, NM_001379609.1); c.1290C>G, p.Tyr430Ter (NM_001289103.2); c.1269C>G, p.Tyr423Ter (NM_001379608.1, NM_002743.3); short protein forms Y423*, Y430*, Y420*.
Identifiers: ClinVar variation 13242 (VCV000013242.5), dbSNP rs121918520, ClinGen allele CA122978.